The following is an entry in ClinVar:

NM_000264.5(PTCH1):c.1640G>C (p.Ser547Thr)

Gene: PTCH1 (patched 1; minus strand). Cytogenetic location: 9q22.32.
Variant type: single nucleotide variant.
Coding change: c.1640G>C on transcript NM_000264.5 (MANE Select); coding-DNA position 1640, G replaced by C.
Protein change: p.Ser547Thr; replaces serine 547 with threonine.
Molecular consequence: missense variant. On other transcripts: non-coding transcript variant (1).
Genome position (GRCh38, 1-based): chr9:95,476,122, C>G on the plus strand (G>C on the coding strand, the complement: PTCH1 is on the minus strand). VCF-style: chr9-95476122-C-G. GRCh37 (hg19) VCF-style: chr9-98238404-C-G.
Other names: c.1442G>C, p.Ser481Thr (NM_001083602.3); c.1637G>C, p.Ser546Thr (NM_001083603.3); c.1187G>C, p.Ser396Thr (NM_001083604.3, NM_001083605.3, NM_001083606.3 and 1 more transcripts); c.1484G>C, p.Ser495Thr (NM_001354918.2); short protein forms S547T, S396T, S481T, S495T, S546T.
Identifiers: ClinVar variation 1409042 (VCV001409042.8), dbSNP rs1564047095, ClinGen allele CA374118050.

ClinVar aggregate classification (germline): Uncertain significance (1 of 4 stars; one submission).

Conditions:
Gorlin syndrome. Also called: Nevoid Basal Cell Carcinoma Syndrome; Basal cell nevus syndrome. Identifiers: Orphanet 377, MedGen C0004779, MONDO:0007187.

Submission:

Labcorp Genetics (formerly Invitae), Labcorp
Classification: Uncertain significance for Gorlin syndrome. Last evaluated: 2021-04-11. Review status: criteria provided, single submitter. Criteria: Invitae Variant Classification Sherloc (09022015). Collection method: clinical testing. Allele origin: germline.
Comment: This variant has not been reported in the literature in individuals with PTCH1-related conditions. This sequence change replaces serine with threonine at codon 547 of the PTCH1 protein (p.Ser547Thr). The serine residue is highly conserved and there is a small physicochemical difference between serine and threonine. This variant is not present in population databases (ExAC no frequency). Algorithms developed to predict the effect of missense changes on protein structure and function are either unavailable or do not agree on the potential impact of this missense change (SIFT: "Deleterious"; PolyPhen-2: "Probably Damaging"; Align-GVGD: "Class C0"). In summary, the available evidence is currently insufficient to determine the role of this variant in disease. Therefore, it has been classified as a Variant of Uncertain Significance.